The following is an entry in ClinVar:

NM_000390.4(CHM):c.20C>T (p.Ser7Leu)

Gene: CHM (CHM Rab escort protein; minus strand). Cytogenetic location: Xq21.2.
Variant type: single nucleotide variant.
Coding change: c.20C>T on transcript NM_000390.4 (MANE Select); coding-DNA position 20, C replaced by T.
Protein change: p.Ser7Leu; replaces serine 7 with leucine.
Molecular consequence: missense variant.
Genome position (GRCh38, 1-based): chrX:86,047,513, G>A on the plus strand (C>T on the coding strand, the complement: CHM is on the minus strand). VCF-style: chrX-86047513-G-A. GRCh37 (hg19) VCF-style: chrX-85302517-G-A.
Other names: c.20C>T, p.Ser7Leu (NM_001145414.4); short protein forms S7L.
Identifiers: ClinVar variation 1448456 (VCV001448456.6), dbSNP rs1357495676, ClinGen allele CA413788691.
Genomic context (GRCh38, chrX:86,047,513, plus strand): 5'-CTTTGTCCAGGAAGCACCAGGCTACACATACCCGTCCCTATTACGATCACATCAAACTCC[G>A]AAGGGAGAGTATCCGCCATCTTGACGGGAAACGTGTCATGTGACTATTACTTGTGGAAAT-3'
Protein context (NP_000381.1, residues 1-17): MADTLP[Ser7Leu]EFDVIVIGTG

ClinVar aggregate classification (germline): Uncertain significance (1 of 4 stars; one submission).

Allele frequency attached by ClinVar (database versions not stated): gnomAD exomes 0.00001; TOPMed 0.00002; gnomAD 0.00003.
gnomAD v4.1: 15 of 1,206,293 alleles (0.0012%); highest among the groups gnomAD compares: Middle Eastern, 0.023%; no homozygotes.

Submission:

Labcorp Genetics (formerly Invitae), Labcorp
Classification: Uncertain significance. Last evaluated: 2025-03-31. Review status: criteria provided, single submitter. Criteria: Invitae Variant Classification Sherloc (09022015). Collection method: clinical testing. Allele origin: germline.
Comment: This sequence change replaces serine, which is neutral and polar, with leucine, which is neutral and non-polar, at codon 7 of the CHM protein (p.Ser7Leu). The frequency data for this variant in the population databases is considered unreliable, as metrics indicate poor data quality at this position in the gnomAD database. This variant has not been reported in the literature in individuals affected with CHM-related conditions. ClinVar contains an entry for this variant (Variation ID: 1448456). Invitae Evidence Modeling of protein sequence and biophysical properties (such as structural, functional, and spatial information, amino acid conservation, physicochemical variation, residue mobility, and thermodynamic stability) has been performed for this missense variant. However, the output from this modeling did not meet the statistical confidence thresholds required to predict the impact of this variant on CHM protein function. In summary, the available evidence is currently insufficient to determine the role of this variant in disease. Therefore, it has been classified as a Variant of Uncertain Significance.